The following is an entry in ClinVar:

NM_003982.4(SLC7A7):c.430G>C (p.Val144Leu)

Gene: SLC7A7 (solute carrier family 7 member 7; minus strand). Cytogenetic location: 14q11.2.
Variant type: single nucleotide variant.
Coding change: c.430G>C on transcript NM_003982.4 (MANE Select); coding-DNA position 430, G replaced by C.
Protein change: p.Val144Leu; replaces valine 144 with leucine.
Molecular consequence: missense variant.
Genome position (GRCh38, 1-based): chr14:22,812,969, C>G on the plus strand (G>C on the coding strand, the complement: SLC7A7 is on the minus strand). VCF-style: chr14-22812969-C-G. GRCh37 (hg19) VCF-style: chr14-23282178-C-G.
Other names: c.430G>C, p.Val144Leu (NM_001126105.3, NM_001126106.4); short protein forms V144L.
Identifiers: ClinVar variation 2093583 (VCV002093583.4), dbSNP rs962764775, ClinGen allele CA388922041.

ClinVar aggregate classification (germline): Uncertain significance (1 of 4 stars; one submission).

Conditions:
Lysinuric protein intolerance (LPI). Identifiers: Orphanet 470, MedGen C0268647, MONDO:0009109, OMIM 222700.

gnomAD v4.1: 1 of 1,613,872 alleles (0.000062%); no homozygotes.

Submission:

Labcorp Genetics (formerly Invitae), Labcorp
Classification: Uncertain significance for Lysinuric protein intolerance. Last evaluated: 2022-02-05. Review status: criteria provided, single submitter. Criteria: Invitae Variant Classification Sherloc (09022015). Collection method: clinical testing. Allele origin: germline.
Comment: This variant is not present in population databases (gnomAD no frequency). In summary, the available evidence is currently insufficient to determine the role of this variant in disease. Therefore, it has been classified as a Variant of Uncertain Significance. Algorithms developed to predict the effect of missense changes on protein structure and function (SIFT, PolyPhen-2, Align-GVGD) all suggest that this variant is likely to be tolerated. This variant has not been reported in the literature in individuals affected with SLC7A7-related conditions. This sequence change replaces valine, which is neutral and non-polar, with leucine, which is neutral and non-polar, at codon 144 of the SLC7A7 protein (p.Val144Leu).